The following is an entry in ClinVar:

ClinVar aggregate classification (germline): Pathogenic. Review status: reviewed by expert panel (3 of 4 stars). 2 submissions from 2 submitters: Pathogenic (1). 1 of the submissions does not count toward it. Last evaluated 2025-05-19.

Conditions:
RS1-related disorder. Also called: RS1-related condition.
Juvenile retinoschisis (RS1). Also called: X-linked retinoschisis; X-Linked Juvenile Retinoschisis. Identifiers: Orphanet 792, MedGen C3714753, MONDO:0010725, OMIM 312700.

Submissions (2):

ClinGen X-linked Inherited Retinal Disease Variant Curation Expert Panel, ClinGen
Classification: Pathogenic for Juvenile retinoschisis. Last evaluated: 2025-05-19. Review status: reviewed by expert panel. Criteria: ClinGen X LinkedIRD ACMG Specifications RS1 V1.0.0. Collection method: curation. Allele origin: germline. Inheritance: X-linked inheritance.
Comment: The NM_000330.4(RS1):c.441G>A variant is a nonsense variant in amino acid 147, which results in a premature stop codon and causes a truncated protein. This variant is absent from hemizygous individuals in gnomAD v4.1.0 (PM2_Supporting). This is a nonsense variant that introduces a premature stop codon between amino acids 1-223 that is predicted to either trigger nonsense-mediated decay or to disrupt a critical C-terminal region required for proper multimerization of RS1 (PVS1, PMID: 19849666). The variant has been reported to segregate with retinal dystrophy through 1 meiosis in a family (PP1; PMID: 33851411). This variant has been reported in at least 2 apparently unrelated probands meeting the PS4 requirement of a male diagnosed with X-linked retinoschisis (PMIDs: 34645606, 33851411, PS4_Supporting). In summary, this variant is classified as pathogenic for X-linked retinoschisis based on the ClinGen X-linked Inherited Retinal Disease Expert Panel Specifications to the ACMG/AMP Variant Interpretation Guidelines for RS1 Version 1.0.0: PM2_supporting, PVS1, PP1, and PS4_supporting (date of approval 01/24/2025).

Blueprint Genetics
Classification: Pathogenic for RS1-related disorders. Last evaluated: 2019-08-14. Review status: criteria provided, single submitter. Criteria: ACMG Guidelines, 2015. Collection method: clinical testing. Allele origin: germline. Affected: yes. Observed: 1 variant allele. Not counted in ClinVar's aggregate classification.

NC_000023.11:g.18644511C>T

Genes: CDKL5 (cyclin dependent kinase like 5; plus strand), RS1 (retinoschisin 1; minus strand). Cytogenetic location: Xp22.13.
Variant type: single nucleotide variant.
Molecular consequence: nonsense (on NM_000330.4). On other transcripts: intron variant (2).
Genome position: GRCh38 VCF-style: chrX-18644511-C-T. GRCh37 (hg19) VCF-style: chrX-18662631-C-T.
Other names: NM_000330.4(RS1):c.441G>A (p.Trp147Ter); c.441G>A, p.Trp147Ter (NM_000330.4); c.2714-1496C>T (NM_003159.3, NM_001037343.2); short protein forms W147*.
Identifiers: ClinVar variation 3899908 (VCV003899908.2).